The following is an entry in ClinVar:

ClinVar aggregate classification (germline): Likely benign. Review status: criteria provided, multiple submitters, no conflicts (2 of 4 stars). 4 submissions from 4 submitters: Likely benign (3). 1 of the submissions does not count toward it. Last evaluated 2026-01-01.

Conditions:
LONP1-related disorder. Also called: LONP1-related condition; LONP1-related disorders.

Allele frequency attached by ClinVar (database versions not stated): gnomAD 0.00013; TOPMed 0.00022; ESP Exome Variant Server 0.00077.
gnomAD v4.1: 446 of 1,613,346 alleles (0.028%); highest among the groups gnomAD compares: Non-Finnish European, 0.037%; no homozygotes.

Submissions (4):

CeGaT Center for Human Genetics Tuebingen
Classification: Likely benign. Last evaluated: 2026-01-01. Review status: criteria provided, single submitter. Criteria: CeGaT Center For Human Genetics Tuebingen Variant Classification Criteria Version 2. Collection method: clinical testing. Allele origin: germline. Affected: yes. Observed: 2 variant alleles.
Comment: LONP1: BP4, BP7

Labcorp Genetics (formerly Invitae), Labcorp
Classification: Likely benign. Last evaluated: 2025-08-20. Review status: criteria provided, single submitter. Criteria: Invitae Variant Classification Sherloc (09022015). Collection method: clinical testing. Allele origin: germline.

Blueprint Genetics
Classification: Likely benign. Last evaluated: 2023-07-25. Review status: criteria provided, single submitter. Criteria: ACMG Guidelines, 2015. Collection method: clinical testing. Allele origin: germline.

PreventionGenetics, part of Exact Sciences
Classification: Likely benign for LONP1-related condition. Last evaluated: 2024-06-17. Review status: no assertion criteria provided. Collection method: clinical testing. Allele origin: germline. Not counted in ClinVar's aggregate classification.
Comment: This variant is classified as likely benign based on ACMG/AMP sequence variant interpretation guidelines (Richards et al. 2015 PMID: 25741868, with internal and published modifications).

NM_004793.4(LONP1):c.2304G>C (p.Leu768=)

Gene: LONP1 (lon peptidase 1, mitochondrial; minus strand). Cytogenetic location: 19p13.3.
Variant type: single nucleotide variant.
Coding change: c.2304G>C on transcript NM_004793.4 (MANE Select); coding-DNA position 2304, G replaced by C.
Protein change: p.Leu768=; no amino-acid change (leucine 768 retained).
Molecular consequence: synonymous variant. On other transcripts: non-coding transcript variant (1).
Genome position (GRCh38, 1-based): chr19:5,694,403, C>G on the plus strand (G>C on the coding strand, the complement: LONP1 is on the minus strand). VCF-style: chr19-5694403-C-G. GRCh37 (hg19) VCF-style: chr19-5694414-C-G.
Other names: c.2112G>C, p.Leu704= (NM_001276479.2); c.1716G>C, p.Leu572= (NM_001276480.1).
Identifiers: ClinVar variation 733854 (VCV000733854.24), dbSNP rs142576092, ClinGen allele CA9114181.
Genomic context (GRCh38, chr19:5,694,403, plus strand): 5'-GAAATGGGAATGGCTTTGGGGTCTTCTCCCGCCACCACGCTCACCCATTGCGGTCCAGGC[C>G]AGCCCCATGACCACGCCGGGCGGTGTCACGTCATACATGCGCTCCACGGTGAACACGGGC-3'
Protein context (NP_004784.2, residues 758-778): DVTPPGVVMG[Leu768=]AWTAMGGSTL